The following is an entry in ClinVar:

ClinVar aggregate classification (germline): Benign/Likely benign. Review status: criteria provided, multiple submitters, no conflicts (2 of 4 stars). 9 submissions from 8 submitters: Benign (6); Likely benign (2). 1 of the submissions does not count toward it. Last evaluated 2026-02-01.

Conditions:
Usher syndrome type 1 (USH1). Also called: RETINITIS PIGMENTOSA AND CONGENITAL DEAFNESS. Identifiers: Orphanet 231169, Orphanet 886, MedGen C1568247, MONDO:0010168, OMIM 276900.
Usher syndrome type 1D (USH1D). Also called: USHER SYNDROME, TYPE ID. Identifiers: Orphanet 231169, Orphanet 886, MedGen C1832845, MONDO:0010984, OMIM 601067.
Autosomal recessive nonsyndromic hearing loss 12. Also called: DEAFNESS, AUTOSOMAL RECESSIVE 12. Identifiers: Orphanet 90636, MedGen C1832394, MONDO:0011067, OMIM 601386.

Allele frequency attached by ClinVar (database versions not stated): ESP Exome Variant Server 0.01670; gnomAD 0.01745 and 0.01633; 1000 Genomes Project 0.01777; TOPMed 0.01884; 1000 Genomes Project 30x 0.01936; gnomAD exomes 0.00148 and 0.00372; ExAC 0.00854.
gnomAD v4.1: 4,708 of 1,599,258 alleles (0.29%); highest among the groups gnomAD compares: African/African-American, 5.5%; 127 homozygotes.

Submissions (9):

Labcorp Genetics (formerly Invitae), Labcorp
Classification: Benign. Last evaluated: 2026-02-01. Review status: criteria provided, single submitter. Criteria: Invitae Variant Classification Sherloc (09022015). Collection method: clinical testing. Allele origin: germline.

ARUP Laboratories, Molecular Genetics and Genomics, ARUP Laboratories
Classification: Benign. Last evaluated: 2023-11-22. Review status: criteria provided, single submitter. Criteria: ARUP Molecular Germline Variant Investigation Process 2024. Collection method: clinical testing. Allele origin: germline.

Athena Diagnostics
Classification: Benign. Last evaluated: 2018-11-12. Review status: criteria provided, single submitter. Criteria: Athena Diagnostics Criteria. Collection method: clinical testing. Allele origin: germline.

Illumina Laboratory Services, Illumina
Classification: Benign for Usher syndrome type 1D. Last evaluated: 2017-04-27. Review status: criteria provided, single submitter. Criteria: ICSL Variant Classification Criteria 13 December 2019. Collection method: clinical testing. Allele origin: germline.
Comment: This variant was observed as part of a predisposition screen in an ostensibly healthy population. A literature search was performed for the gene, cDNA change, and amino acid change (where applicable). No publications were found based on this search. Allele frequency data from public databases was too high to be consistent with this variant causing disease. Therefore, this variant is classified as benign.

Illumina Laboratory Services, Illumina
Classification: Likely benign for Autosomal recessive nonsyndromic hearing loss 12. Last evaluated: 2017-04-27. Review status: criteria provided, single submitter. Criteria: ICSL Variant Classification Criteria 13 December 2019. Collection method: clinical testing. Allele origin: germline.
Comment: This variant was observed as part of a predisposition screen in an ostensibly healthy population. A literature search was performed for the gene, cDNA change, and amino acid change (where applicable). No publications were found based on this search. Allele frequency data from public databases allowed determination this variant is unlikely to cause disease. Therefore, this variant is classified as likely benign.

GeneDx
Classification: Benign. Last evaluated: 2015-07-07. Review status: criteria provided, single submitter. Criteria: GeneDx Variant Classification (06012015). Collection method: clinical testing. Allele origin: germline. Affected: yes.
Comment: This variant is considered likely benign or benign based on one or more of the following criteria: it is a conservative change, it occurs at a poorly conserved position in the protein, it is predicted to be benign by multiple in silico algorithms, and/or has population frequency not consistent with disease.

Laboratory for Molecular Medicine, Mass General Brigham Personalized Medicine
Classification: Benign. Last evaluated: 2013-11-05. Review status: criteria provided, single submitter. Criteria: LMM Criteria. Collection method: clinical testing. Allele origin: germline. Observed: 25 variant alleles.
Comment: Leu986Leu in Exon 26A of CDH23: This variant is not expected to have clinical si gnificance because it does not alter an amino acid residue, is not located withi n the splice consensus sequence, and has been identified in 5.0% (210/4234) of A frican American chromosomes from a broad population by the NHLBI Exome Sequencin g Project (dbSNP rs74702249).

Breakthrough Genomics
Classification: Likely benign. Review status: criteria provided, single submitter. Criteria: ACMG Guidelines, 2015. Collection method: not provided. Allele origin: germline. Inheritance: Autosomal recessive inheritance. Affected: yes.

Natera, Inc.
Classification: Benign for Usher syndrome type 1. Last evaluated: 2020-09-16. Review status: no assertion criteria provided. Collection method: clinical testing. Allele origin: germline. Not counted in ClinVar's aggregate classification.

NM_022124.6(CDH23):c.2958G>A (p.Leu986=)

Gene: CDH23 (cadherin related 23; plus strand). Cytogenetic location: 10q22.1.
Variant type: single nucleotide variant.
Coding change: c.2958G>A on transcript NM_022124.6 (MANE Select); coding-DNA position 2958, G replaced by A.
Protein change: p.Leu986=; no amino-acid change (leucine 986 retained).
Molecular consequence: synonymous variant.
Genome position (GRCh38, 1-based): chr10:71,706,901, G>A. VCF-style: chr10-71706901-G-A. GRCh37 (hg19) VCF-style: chr10-73466658-G-A.
Other names: c.2958G>A, p.Leu986= (NM_001171930.2, NM_001171931.2).
Identifiers: ClinVar variation 45906 (VCV000045906.29), dbSNP rs74702249, ClinGen allele CA137346.